The following is an entry in ClinVar:

ClinVar aggregate classification (germline): Benign (1 of 4 stars; one submission).

Conditions:
Oligodontia-cancer predisposition syndrome. Also called: TOOTH AGENESIS-COLORECTAL CANCER SYNDROME. Identifiers: Orphanet 300576, MedGen C1837750, MONDO:0012075, OMIM 608615. Disease mechanism: loss of function.

gnomAD v4.1: 2 of 1,614,212 alleles (0.00012%); highest among the groups gnomAD compares: Non-Finnish European, 0.00017%; no homozygotes.

Submission:

Myriad Genetics, Inc.
Classification: Benign for Oligodontia-cancer predisposition syndrome. Last evaluated: 2024-07-10. Review status: criteria provided, single submitter. Criteria: Myriad Autosomal Dominant, Autosomal Recessive and X-Linked Classification Criteria (2023). Collection method: clinical testing. Allele origin: unknown.
Comment: This variant is considered benign. This variant is a silent/synonymous amino acid change and it is not expected to impact splicing.

NM_004655.4(AXIN2):c.2286T>C (p.Ser762=)

Gene: AXIN2 (axin 2; minus strand). Cytogenetic location: 17q24.1.
Variant type: single nucleotide variant.
Coding change: c.2286T>C on transcript NM_004655.4 (MANE Select); coding-DNA position 2286, T replaced by C.
Protein change: p.Ser762=; no amino-acid change (serine 762 retained).
Molecular consequence: synonymous variant.
Genome position (GRCh38, 1-based): chr17:65,534,031, A>G on the plus strand (T>C on the coding strand, the complement: AXIN2 is on the minus strand). VCF-style: chr17-65534031-A-G. GRCh37 (hg19) VCF-style: chr17-63530149-A-G.
Other names: c.2091T>C, p.Ser697= (NM_001363813.1).
Identifiers: ClinVar variation 3379017 (VCV003379017.1).
Genomic context (GRCh38, chr17:65,534,031, plus strand): 5'-CTTCAGCATCCTCCGGTATGGAATTTCTTCCCCACAGAAAAAGTAAGTGACAACCAACTC[A>G]CTGGCCTGGAGCGCGTGGACACCTGCCAGTTTCTTTGGCTCTTTGTGACTGAAAATAAGA-3'
Protein context (NP_004646.3, residues 752-772): KLAGVHALQA[Ser762=]ELVVTYFFCG